The following is an entry in ClinVar:

ClinVar aggregate classification (germline): Uncertain significance. Review status: criteria provided, single submitter (1 of 4 stars). 2 submissions from 2 submitters: Uncertain significance (1). 1 of the submissions does not count toward it. Last evaluated 2025-03-22.

Conditions:
FAH-related disorder. Also called: FAH-related condition.
Inborn genetic diseases. Identifiers: MedGen C0950123, MeSH D030342.

gnomAD v4.1: 17 of 1,613,986 alleles (0.0011%); highest among the groups gnomAD compares: Middle Eastern, 0.016%; no homozygotes.

Submissions (2):

Ambry Genetics
Classification: Uncertain significance for Inborn genetic diseases. Last evaluated: 2025-03-22. Review status: criteria provided, single submitter. Criteria: Ambry Variant Classification Scheme 2023. Collection method: clinical testing. Allele origin: germline.

PreventionGenetics, part of Exact Sciences
Classification: Uncertain significance for FAH-related condition. Last evaluated: 2024-08-09. Review status: no assertion criteria provided. Collection method: clinical testing. Allele origin: germline. Not counted in ClinVar's aggregate classification.
Comment: The FAH c.842C>T variant is predicted to result in the amino acid substitution p.Pro281Leu. To our knowledge, this variant has not been reported in the literature. This variant is reported in 0.012% of alleles in individuals of African descent in gnomAD. At this time, the clinical significance of this variant is uncertain due to the absence of conclusive functional and genetic evidence.

NM_000137.4(FAH):c.842C>T (p.Pro281Leu)

Gene: FAH (fumarylacetoacetate hydrolase; plus strand). Cytogenetic location: 15q25.1.
Variant type: single nucleotide variant.
Coding change: c.842C>T on transcript NM_000137.4 (MANE Select); coding-DNA position 842, C replaced by T.
Protein change: p.Pro281Leu; replaces proline 281 with leucine.
Molecular consequence: missense variant.
Genome position (GRCh38, 1-based): chr15:80,175,020, C>T. VCF-style: chr15-80175020-C-T. GRCh37 (hg19) VCF-style: chr15-80467362-C-T.
Other names: c.842C>T, p.Pro281Leu (NM_001374377.1, NM_001374380.1); short protein forms P281L.
Identifiers: ClinVar variation 3351727 (VCV003351727.2).